The following is an entry in ClinVar:

NM_006231.4(POLE):c.5260A>G (p.Met1754Val)

Gene: POLE (DNA polymerase epsilon, catalytic subunit; minus strand). Cytogenetic location: 12q24.33.
Variant type: single nucleotide variant.
Coding change: c.5260A>G on transcript NM_006231.4 (MANE Select); coding-DNA position 5260, A replaced by G.
Protein change: p.Met1754Val; replaces methionine 1754 with valine.
Molecular consequence: missense variant.
Genome position (GRCh38, 1-based): chr12:132,641,765, T>C on the plus strand (A>G on the coding strand, the complement: POLE is on the minus strand). VCF-style: chr12-132641765-T-C. GRCh37 (hg19) VCF-style: chr12-133218351-T-C.
Other names: short protein forms M1754V.
Identifiers: ClinVar variation 2500561 (VCV002500561.3), dbSNP rs1402161985, ClinGen allele CA387376278.

ClinVar aggregate classification (germline): Conflicting classifications of pathogenicity. Review status: criteria provided, conflicting classifications (1 of 4 stars). 3 submissions from 3 submitters: Uncertain significance (2); Likely benign (1). Last evaluated 2026-01-28.

Conditions:
Hereditary cancer-predisposing syndrome. Also called: Neoplastic Syndromes, Hereditary; Hereditary neoplastic syndrome; Tumor predisposition; Hereditary Cancer Syndrome. Identifiers: Orphanet 140162, MedGen C0027672, MeSH D009386, MONDO:0015356.

Allele frequency attached by ClinVar (database versions not stated): gnomAD exomes below 0.00001.

Submissions (3):

Labcorp Genetics (formerly Invitae), Labcorp
Classification: Uncertain significance. Last evaluated: 2026-01-28. Review status: criteria provided, single submitter. Criteria: Invitae Variant Classification Sherloc (09022015). Collection method: clinical testing. Allele origin: germline.
Comment: This sequence change replaces methionine, which is neutral and non-polar, with valine, which is neutral and non-polar, at codon 1754 of the POLE protein (p.Met1754Val). This variant is present in population databases (no rsID available, gnomAD 0.003%). This variant has not been reported in the literature in individuals affected with POLE-related conditions. ClinVar contains an entry for this variant (Variation ID: 2500561). Invitae Evidence Modeling of protein sequence and biophysical properties (such as structural, functional, and spatial information, amino acid conservation, physicochemical variation, residue mobility, and thermodynamic stability) indicates that this missense variant is not expected to disrupt POLE protein function with a negative predictive value of 80%. In summary, the available evidence is currently insufficient to determine the role of this variant in disease. Therefore, it has been classified as a Variant of Uncertain Significance.

Ambry Genetics
Classification: Likely benign for Hereditary cancer-predisposing syndrome. Last evaluated: 2025-11-03. Review status: criteria provided, single submitter. Criteria: Ambry Variant Classification Scheme 2023. Collection method: clinical testing. Allele origin: germline.

GeneDx
Classification: Uncertain significance. Last evaluated: 2022-10-27. Review status: criteria provided, single submitter. Criteria: GeneDx Variant Classification Process June 2021. Collection method: clinical testing. Allele origin: germline. Affected: yes.
Comment: Not observed at significant frequency in large population cohorts (gnomAD); In silico analysis supports that this missense variant does not alter protein structure/function; Has not been previously published as pathogenic or benign to our knowledge